The following is an entry in ClinVar:

NM_052867.4(NALCN):c.2921A>G (p.Gln974Arg)

Gene: NALCN (sodium leak channel, non-selective; minus strand). Cytogenetic location: 13q33.1.
Variant type: single nucleotide variant.
Coding change: c.2921A>G on transcript NM_052867.4 (MANE Select); coding-DNA position 2921, A replaced by G.
Protein change: p.Gln974Arg; replaces glutamine 974 with arginine.
Molecular consequence: missense variant.
Genome position (GRCh38, 1-based): chr13:101,103,308, T>C on the plus strand (A>G on the coding strand, the complement: NALCN is on the minus strand). VCF-style: chr13-101103308-T-C. GRCh37 (hg19) VCF-style: chr13-101755659-T-C.
Other names: c.3008A>G, p.Gln1003Arg (NM_001350748.2); c.2921A>G, p.Gln974Arg (NM_001350749.2); c.2834A>G, p.Gln945Arg (NM_001350750.2, NM_001350751.2); short protein forms Q1003R, Q945R, Q974R.
Identifiers: ClinVar variation 3658542 (VCV003658542.2).

ClinVar aggregate classification (germline): Uncertain significance (1 of 4 stars; one submission).

Submission:

Labcorp Genetics (formerly Invitae), Labcorp
Classification: Uncertain significance. Last evaluated: 2024-07-09. Review status: criteria provided, single submitter. Criteria: Invitae Variant Classification Sherloc (09022015). Collection method: clinical testing. Allele origin: germline.
Comment: This sequence change replaces glutamine, which is neutral and polar, with arginine, which is basic and polar, at codon 974 of the NALCN protein (p.Gln974Arg). This variant is not present in population databases (gnomAD no frequency). This variant has not been reported in the literature in individuals affected with NALCN-related conditions. Advanced modeling of protein sequence and biophysical properties (such as structural, functional, and spatial information, amino acid conservation, physicochemical variation, residue mobility, and thermodynamic stability) performed at Invitae indicates that this missense variant is not expected to disrupt NALCN protein function with a negative predictive value of 80%. In summary, the available evidence is currently insufficient to determine the role of this variant in disease. Therefore, it has been classified as a Variant of Uncertain Significance.